The following is an entry in ClinVar:

NM_000388.4(CASR):c.1382T>C (p.Leu461Pro)

Gene: CASR (calcium sensing receptor; plus strand). Cytogenetic location: 3q21.1.
Variant type: single nucleotide variant.
Coding change: c.1382T>C on transcript NM_000388.4 (MANE Select); coding-DNA position 1382, T replaced by C.
Protein change: p.Leu461Pro; replaces leucine 461 with proline.
Molecular consequence: missense variant.
Genome position (GRCh38, 1-based): chr3:122,275,816, T>C. VCF-style: chr3-122275816-T-C. GRCh37 (hg19) VCF-style: chr3-121994663-T-C.
Other names: c.1382T>C, p.Leu461Pro (NM_001178065.2); short protein forms L461P.
Identifiers: ClinVar variation 1503672 (VCV001503672.8), dbSNP rs1553768082, ClinGen allele CA354154788.
Genomic context (GRCh38, chr3:122,275,816, plus strand): 5'-TAATTAGTTCTATGTGGCAGCCCTGGGGCTTGTACTCATTCTTTGCTCCTCTTTAGGTCC[T>C]GAAGCACCTACGGCATCTAAACTTTACAAACAATATGGGGGAGCAGGTGACCTTTGATGA-3'
Protein context (NP_000379.3, residues 451-471): DIKKVEAWQV[Leu461Pro]KHLRHLNFTN

ClinVar aggregate classification (germline): Uncertain significance (1 of 4 stars; one submission).

Conditions:
Autosomal dominant hypocalcemia 1 (HYPOC1). Also called: HYPOCALCEMIA, FAMILIAL. Identifiers: MedGen C3715128, MONDO:0011013, OMIM 601198.
Familial hypocalciuric hypercalcemia (FHH). Also called: Familial benign hypercalcemia. Identifiers: Orphanet 405, MedGen C1809471, MONDO:0018458.

Submission:

Labcorp Genetics (formerly Invitae), Labcorp
Classification: Uncertain significance for Familial hypocalciuric hypercalcemia; Autosomal dominant hypocalcemia 1. Last evaluated: 2022-04-19. Review status: criteria provided, single submitter. Criteria: Invitae Variant Classification Sherloc (09022015). Collection method: clinical testing. Allele origin: germline.
Comment: This sequence change replaces leucine, which is neutral and non-polar, with proline, which is neutral and non-polar, at codon 461 of the CASR protein (p.Leu461Pro). This variant is not present in population databases (gnomAD no frequency). This missense change has been observed in individual(s) with clinical features of familial hypocalciuric hypercalcemia (PMID: 22422767). Algorithms developed to predict the effect of missense changes on protein structure and function (SIFT, PolyPhen-2, Align-GVGD) all suggest that this variant is likely to be disruptive. In summary, the available evidence is currently insufficient to determine the role of this variant in disease. Therefore, it has been classified as a Variant of Uncertain Significance.

Literature cited by the submitters: PubMed 22422767.